The following is an entry in ClinVar:

ClinVar aggregate classification (germline): Pathogenic (1 of 4 stars; one submission).

Conditions:
Neurofibromatosis, type 1 (NF1). Also called: Neurofibromatosis, type I; VON RECKLINGHAUSEN DISEASE; NEUROFIBROMATOSIS, TYPE I, SOMATIC; Peripheral type neurofibromatosis. Identifiers: Orphanet 636, MedGen C0027831, MONDO:0018975, OMIM 162200. Disease mechanism: loss of function.

Submission:

Labcorp Genetics (formerly Invitae), Labcorp
Classification: Pathogenic for Neurofibromatosis, type 1. Last evaluated: 2021-04-17. Review status: criteria provided, single submitter. Criteria: Invitae Variant Classification Sherloc (09022015). Collection method: clinical testing. Allele origin: germline.
Comment: This sequence change creates a premature translational stop signal (p.Phe2144Leufs*35) in the NF1 gene. It is expected to result in an absent or disrupted protein product. Loss-of-function variants in NF1 are known to be pathogenic (PMID: 10712197, 23913538). For these reasons, this variant has been classified as Pathogenic. This variant has not been reported in the literature in individuals with NF1-related conditions. This variant is not present in population databases (ExAC no frequency).

Literature cited by the submitters: PubMed 10712197; PubMed 23913538.

NM_001042492.3(NF1):c.6495del (p.Phe2165fs)

Gene: NF1 (neurofibromin 1; plus strand). Cytogenetic location: 17q11.2.
Variant type: Deletion.
Coding change: c.6495del on transcript NM_001042492.3 (MANE Select); coding-DNA position 6495, one base deleted (T; older notation c.6495delT).
Protein change: p.Phe2165fs; shifts the reading frame from phenylalanine 2165.
Molecular consequence: frameshift variant.
Genome position (GRCh38, 1-based): chr17:31,337,435, T deleted; the last of 3 consecutive T bases (chr17:31,337,433-31,337,435); deleting any one gives the same sequence. VCF-style (leftmost placement, unchanged base first): chr17-31337432-GT-G. GRCh37 (hg19) VCF-style: chr17-29664450-GT-G.
Other names: c.6432delT, p.Phe2144Leufs (NM_000267.4); short protein forms F2165fs, F2144fs.
Identifiers: ClinVar variation 1456165 (VCV001456165.6), dbSNP rs2151556165, ClinGen allele CA2573153839.